The following is an entry in ClinVar:

NM_000393.5(COL5A2):c.906+302C>T

Gene: COL5A2 (collagen type V alpha 2 chain; minus strand). Cytogenetic location: 2q32.2.
Variant type: single nucleotide variant.
Coding change: c.906+302C>T on transcript NM_000393.5 (MANE Select); 302 bases into the intron after coding-DNA position 906, C replaced by T.
Molecular consequence: intron variant.
Genome position (GRCh38, 1-based): chr2:189,080,688, G>A on the plus strand (C>T on the coding strand, the complement: COL5A2 is on the minus strand). VCF-style: chr2-189080688-G-A. GRCh37 (hg19) VCF-style: chr2-189945414-G-A.
Identifiers: ClinVar variation 681210 (VCV000681210.1), dbSNP rs7426169, ClinGen allele CA62564423.

ClinVar aggregate classification (germline): Benign (1 of 4 stars; one submission).

Allele frequency attached by ClinVar (database versions not stated): 1000 Genomes Project 30x 0.66474; 1000 Genomes Project 0.66713; TOPMed 0.71510; gnomAD 0.73116 and 0.73346.
gnomAD v4.1: 111,109 of 151,924 alleles (73%); highest among the groups gnomAD compares: Non-Finnish European, 81%; 41,198 homozygotes.

Submission:

GeneDx
Classification: Benign. Last evaluated: 2018-06-14. Review status: criteria provided, single submitter. Criteria: GeneDx Variant Classification (06012015). Collection method: clinical testing. Allele origin: germline. Affected: yes.
Comment: This variant is considered likely benign or benign based on one or more of the following criteria: it is a conservative change, it occurs at a poorly conserved position in the protein, it is predicted to be benign by multiple in silico algorithms, and/or has population frequency not consistent with disease.